The following is an entry in ClinVar:

ClinVar aggregate classification (germline): Uncertain significance (1 of 4 stars; one submission).

Submission:

GeneDx
Classification: Uncertain significance. Last evaluated: 2025-05-14. Review status: criteria provided, single submitter. Criteria: GeneDx Variant Classification Process June 2021. Collection method: clinical testing. Allele origin: germline. Affected: yes.
Comment: Not observed at significant frequency in large population cohorts (gnomAD); In silico analysis supports that this missense variant has a deleterious effect on protein structure/function; In silico analysis supports a deleterious effect on splicing; Has not been previously published as pathogenic or benign to our knowledge

NM_198880.3(QRICH1):c.308A>G (p.Gln103Arg)

Gene: QRICH1 (glutamine rich 1; minus strand). Cytogenetic location: 3p21.31.
Variant type: single nucleotide variant.
Coding change: c.308A>G on transcript NM_198880.3 (MANE Select); coding-DNA position 308, A replaced by G.
Protein change: p.Gln103Arg; replaces glutamine 103 with arginine.
Molecular consequence: missense variant.
Genome position (GRCh38, 1-based): chr3:49,076,710, T>C on the plus strand (A>G on the coding strand, the complement: QRICH1 is on the minus strand). VCF-style: chr3-49076710-T-C. GRCh37 (hg19) VCF-style: chr3-49114143-T-C.
Other names: c.308A>G, p.Gln103Arg (NM_001320580.2, NM_001320581.2, NM_001320582.2 and 4 more transcripts); short protein forms Q103R.
Identifiers: ClinVar variation 4529543 (VCV004529543.1).